The following is an entry in ClinVar:

NM_000223.4(KRT12):c.1006G>A (p.Glu336Lys)

Gene: KRT12 (keratin 12; minus strand). Cytogenetic location: 17q21.2.
Variant type: single nucleotide variant.
Coding change: c.1006G>A on transcript NM_000223.4 (MANE Select); coding-DNA position 1006, G replaced by A.
Protein change: p.Glu336Lys; replaces glutamic acid 336 with lysine.
Molecular consequence: missense variant.
Genome position (GRCh38, 1-based): chr17:40,863,574, C>T on the plus strand (G>A on the coding strand, the complement: KRT12 is on the minus strand). VCF-style: chr17-40863574-C-T. GRCh37 (hg19) VCF-style: chr17-39019826-C-T.
Other names: short protein forms E336K.
Identifiers: ClinVar variation 4748702 (VCV004748702.1).

ClinVar aggregate classification (germline): Uncertain significance (1 of 4 stars; one submission).

gnomAD v4.1: 11 of 1,614,216 alleles (0.00068%); highest among the groups gnomAD compares: South Asian, 0.0011%; no homozygotes.

Submission:

Labcorp Genetics (formerly Invitae), Labcorp
Classification: Uncertain significance. Last evaluated: 2025-12-25. Review status: criteria provided, single submitter. Criteria: Invitae Variant Classification Sherloc (09022015). Collection method: clinical testing. Allele origin: germline.
Comment: This sequence change replaces glutamic acid, which is acidic and polar, with lysine, which is basic and polar, at codon 336 of the KRT12 protein (p.Glu336Lys). This variant is present in population databases (rs761474393, gnomAD 0.003%). This variant has not been reported in the literature in individuals affected with KRT12-related conditions. Invitae Evidence Modeling of protein sequence and biophysical properties (such as structural, functional, and spatial information, amino acid conservation, physicochemical variation, residue mobility, and thermodynamic stability) indicates that this missense variant is not expected to disrupt KRT12 protein function with a negative predictive value of 80%. In summary, the available evidence is currently insufficient to determine the role of this variant in disease. Therefore, it has been classified as a Variant of Uncertain Significance.